The following is an entry in ClinVar:

NM_001985.3(ETFB):c.58-91C>T

Gene: ETFB (electron transfer flavoprotein subunit beta; minus strand). Cytogenetic location: 19q13.41.
Variant type: single nucleotide variant.
Coding change: c.58-91C>T on transcript NM_001985.3 (MANE Select); 91 bases into the intron before coding-DNA position 58, C replaced by T.
Molecular consequence: intron variant. On other transcripts: synonymous variant (1).
Genome position (GRCh38, 1-based): chr19:51,354,399, G>A on the plus strand (C>T on the coding strand, the complement: ETFB is on the minus strand). VCF-style: chr19-51354399-G-A. GRCh37 (hg19) VCF-style: chr19-51857653-G-A.
Other names: p.?; c.240C>T, p.Val80= (NM_001014763.1).
Identifiers: ClinVar variation 506729 (VCV000506729.2), dbSNP rs146798901, ClinGen allele CA9610896.

ClinVar aggregate classification (germline): Likely benign. Review status: criteria provided, multiple submitters, no conflicts (2 of 4 stars). 2 submissions from 2 submitters: Likely benign (2). Last evaluated 2025-08-15.

Allele frequency attached by ClinVar (database versions not stated): gnomAD exomes 0.00001 and 0.00004; ExAC 0.00006; TOPMed 0.00018; 1000 Genomes Project 0.00020; gnomAD 0.00021; ESP Exome Variant Server 0.00031; 1000 Genomes Project 30x 0.00031.
gnomAD v4.1: 50 of 1,614,098 alleles (0.0031%); highest among the groups gnomAD compares: African/African-American, 0.063%; no homozygotes.

Submissions (2):

Mayo Clinic Laboratories, Mayo Clinic
Classification: Likely benign. Last evaluated: 2025-08-15. Review status: criteria provided, single submitter. Criteria: ACMG Guidelines, 2015. Collection method: clinical testing. Allele origin: germline. Observed: 1 variant allele.
Comment: BP4, BP7

GeneDx
Classification: Likely benign. Last evaluated: 2017-11-08. Review status: criteria provided, single submitter. Criteria: GeneDx Variant Classification (06012015). Collection method: clinical testing. Allele origin: germline. Affected: yes.
Comment: This variant is considered likely benign or benign based on one or more of the following criteria: it is a conservative change, it occurs at a poorly conserved position in the protein, it is predicted to be benign by multiple in silico algorithms, and/or has population frequency not consistent with disease.